The following is an entry in ClinVar:

ClinVar aggregate classification (germline): Uncertain significance. Review status: criteria provided, multiple submitters, no conflicts (2 of 4 stars). 3 submissions from 3 submitters: Uncertain significance (3). Last evaluated 2025-11-24.

Conditions:
Cardiovascular phenotype. Identifiers: MedGen CN230736.
Long QT syndrome 11 (LQT11). Identifiers: Orphanet 101016, Orphanet 768, MedGen C2678483, MONDO:0012738, OMIM 611820.
Long QT syndrome (LQTS). Identifiers: MedGen C0023976, MeSH D008133, MONDO:0002442. Disease mechanism: loss of function. Inheritance: Various modes of inheritance.

Allele frequency attached by ClinVar (database versions not stated): gnomAD exomes below 0.00001; ExAC 0.00001; gnomAD 0.00001; TOPMed 0.00001.
gnomAD v4.1: 8 of 1,613,724 alleles (0.0005%); highest among the groups gnomAD compares: Admixed American, 0.0083%; no homozygotes.

Submissions (3):

Ambry Genetics
Classification: Uncertain significance for Cardiovascular phenotype. Last evaluated: 2025-11-24. Review status: criteria provided, single submitter. Criteria: Ambry Variant Classification Scheme 2023. Collection method: clinical testing. Allele origin: germline.
Comment: The p.S1465Y variant (also known as c.4394C>A), located in coding exon 17 of the AKAP9 gene, results from a C to A substitution at nucleotide position 4394. The serine at codon 1465 is replaced by tyrosine, an amino acid with dissimilar properties. This amino acid position is conserved. In addition, this alteration is predicted to be tolerated by in silico analysis. Since supporting evidence is limited at this time, the clinical significance of this alteration remains unclear.

Labcorp Genetics (formerly Invitae), Labcorp
Classification: Uncertain significance for Long QT syndrome. Last evaluated: 2025-05-23. Review status: criteria provided, single submitter. Criteria: Invitae Variant Classification Sherloc (09022015). Collection method: clinical testing. Allele origin: germline.
Comment: This sequence change replaces serine, which is neutral and polar, with tyrosine, which is neutral and polar, at codon 1465 of the AKAP9 protein (p.Ser1465Tyr). This variant is present in population databases (rs779325943, gnomAD 0.003%). This variant has not been reported in the literature in individuals affected with AKAP9-related conditions. ClinVar contains an entry for this variant (Variation ID: 651545). An algorithm developed to predict the effect of missense changes on protein structure and function (PolyPhen-2) suggests that this variant is likely to be disruptive. In summary, the available evidence is currently insufficient to determine the role of this variant in disease. Therefore, it has been classified as a Variant of Uncertain Significance.

Fulgent Genetics
Classification: Uncertain significance for Long QT syndrome 11. Last evaluated: 2021-10-14. Review status: criteria provided, single submitter. Criteria: ACMG Guidelines, 2015. Collection method: clinical testing. Allele origin: unknown.

NM_005751.5(AKAP9):c.4394C>A (p.Ser1465Tyr)

Gene: AKAP9 (A-kinase anchoring protein 9; plus strand). Cytogenetic location: 7q21.2.
Variant type: single nucleotide variant.
Coding change: c.4394C>A on transcript NM_005751.5 (MANE Select); coding-DNA position 4394, C replaced by A.
Protein change: p.Ser1465Tyr; replaces serine 1465 with tyrosine.
Molecular consequence: missense variant.
Genome position (GRCh38, 1-based): chr7:92,038,474, C>A. VCF-style: chr7-92038474-C-A. GRCh37 (hg19) VCF-style: chr7-91667788-C-A.
Other names: c.4394C>A, p.Ser1465Tyr (NM_147185.3); short protein forms S1465Y.
Identifiers: ClinVar variation 651545 (VCV000651545.12), dbSNP rs779325943, ClinGen allele CA4336572.